The following is an entry in ClinVar:

NM_001161403.3(LIMS2):c.628G>A (p.Val210Ile)

Gene: LIMS2 (LIM zinc finger domain containing 2; minus strand). Cytogenetic location: 2q14.3.
Variant type: single nucleotide variant.
Coding change: c.628G>A on transcript NM_001161403.3 (MANE Select); coding-DNA position 628, G replaced by A.
Protein change: p.Val210Ile; replaces valine 210 with isoleucine.
Molecular consequence: missense variant.
Genome position (GRCh38, 1-based): chr2:127,642,081, C>T on the plus strand (G>A on the coding strand, the complement: LIMS2 is on the minus strand). VCF-style: chr2-127642081-C-T. GRCh37 (hg19) VCF-style: chr2-128399656-C-T.
Other names: c.694G>A, p.Val232Ile (NM_001136037.4); c.613G>A, p.Val205Ile (NM_001161404.2); c.172G>A, p.Val58Ile (NM_001256542.2); c.700G>A, p.Val234Ile (NM_017980.5); c.694G>A (NM_001136037.2); short protein forms V234I, V205I, V58I, V232I, V210I.
Identifiers: ClinVar variation 475549 (VCV000475549.12), dbSNP rs575987494, ClinGen allele CA1862981.

ClinVar aggregate classification (germline): Uncertain significance. Review status: criteria provided, multiple submitters, no conflicts (2 of 4 stars). 3 submissions from 3 submitters: Uncertain significance (3). Last evaluated 2021-11-30.

Conditions:
Autosomal recessive limb-girdle muscular dystrophy type 2W (MDRCMTT). Also called: Muscular dystrophy, limb-girdle, type 2W; Muscular dystrophy, autosomal recessive, with cardiomyopathy and triangular tongue. Identifiers: MedGen C4225192, MONDO:0014788, OMIM 616827.

Allele frequency attached by ClinVar (database versions not stated): gnomAD exomes 0.00002 and 0.00007; ExAC 0.00003; gnomAD 0.00003; TOPMed 0.00003; 1000 Genomes Project 30x 0.00016; 1000 Genomes Project 0.00020.

Submissions (3):

Ambry Genetics
Classification: Uncertain significance. Last evaluated: 2021-11-30. Review status: criteria provided, single submitter. Criteria: Ambry Variant Classification Scheme 2023. Collection method: clinical testing. Allele origin: germline.

Revvity Omics, Revvity
Classification: Uncertain significance for Autosomal recessive limb-girdle muscular dystrophy type 2W. Last evaluated: 2019-11-13. Review status: criteria provided, single submitter. Criteria: ACMG Guidelines, 2015. Collection method: clinical testing. Allele origin: germline.

Labcorp Genetics (formerly Invitae), Labcorp
Classification: Uncertain significance for Autosomal recessive limb-girdle muscular dystrophy type 2W. Last evaluated: 2016-09-04. Review status: criteria provided, single submitter. Criteria: Invitae Variant Classification Sherloc (09022015). Collection method: clinical testing. Allele origin: germline.
Comment: In summary, this variant is a rare missense change that is not predicted to affect protein function. There is no indication that it causes disease, but the available evidence is currently insufficient to prove that conclusively. Therefore, it has been classified as a Variant of Uncertain Significance. Algorithms developed to predict the effect of missense changes on protein structure and function (SIFT, PolyPhen-2, Align-GVGD) all suggest that this variant is likely to be tolerated, but these predictions have not been confirmed by published functional studies. This variant is present in population databases (rs575987494, ExAC 0.005%) but has not been reported in the literature in individuals with a LIMS2-related disease. This sequence change replaces valine with isoleucine at codon 234 of the LIMS2 protein (p.Val234Ile). The valine residue is highly conserved and there is a small physicochemical difference between valine and isoleucine.